The following is an entry in ClinVar:

ClinVar aggregate classification (germline): Pathogenic (1 of 4 stars; one submission).

Submission:

Labcorp Genetics (formerly Invitae), Labcorp
Classification: Pathogenic. Last evaluated: 2025-06-20. Review status: criteria provided, single submitter. Criteria: Invitae Variant Classification Sherloc (09022015). Collection method: clinical testing. Allele origin: germline.
Comment: This sequence change creates a premature translational stop signal (p.Lys3040Asnfs*2) in the FAT1 gene. It is expected to result in an absent or disrupted protein product. Loss-of-function variants in FAT1 are known to be pathogenic (PMID: 30862798). This variant is not present in population databases (gnomAD no frequency). This variant has not been reported in the literature in individuals affected with FAT1-related conditions. For these reasons, this variant has been classified as Pathogenic.

Literature cited by the submitters: PubMed 30862798.

NM_005245.4(FAT1):c.9120del (p.Lys3040fs)

Gene: FAT1 (FAT atypical cadherin 1; minus strand). Cytogenetic location: 4q35.2.
Variant type: Deletion.
Coding change: c.9120del on transcript NM_005245.4 (MANE Select); coding-DNA position 9120, one base deleted (A; older notation c.9120delA).
Protein change: p.Lys3040fs; shifts the reading frame from lysine 3040.
Molecular consequence: frameshift variant.
Genome position (GRCh38, 1-based): chr4:186,614,300, T deleted on the plus strand (A on the coding strand, the reverse complement: FAT1 is on the minus strand); the first of 4 consecutive T bases (chr4:186,614,300-186,614,303); deleting any one gives the same sequence. VCF-style (leftmost placement, unchanged base first): chr4-186614299-AT-A. GRCh37 (hg19) VCF-style: chr4-187535453-AT-A.
Other names: c.9120del, p.Lys3040fs (NM_001440455.1, NM_001440456.1, NM_001440457.1); short protein forms K3040fs.
Identifiers: ClinVar variation 4720809 (VCV004720809.1).